The following is an entry in ClinVar:

ClinVar aggregate classification (germline): Uncertain significance (1 of 4 stars; one submission).

Conditions:
Neurofibromatosis, type 1 (NF1). Also called: VON RECKLINGHAUSEN DISEASE; NEUROFIBROMATOSIS, TYPE I, SOMATIC; Peripheral type neurofibromatosis; Neurofibromatosis, type I. Identifiers: Orphanet 636, MedGen C0027831, MONDO:0018975, OMIM 162200. Disease mechanism: loss of function.

Submission:

Labcorp Genetics (formerly Invitae), Labcorp
Classification: Uncertain significance for Neurofibromatosis, type 1. Last evaluated: 2017-03-23. Review status: criteria provided, single submitter. Criteria: Invitae Variant Classification Sherloc (09022015). Collection method: clinical testing. Allele origin: germline.
Comment: In summary, this variant is a novel missense change with uncertain impact on protein function. It has been classified as a Variant of Uncertain Significance. Algorithms developed to predict the effect of missense changes on protein structure and function do not agree on the potential impact of this missense change (SIFT: "Tolerated"; PolyPhen-2: "Probably Damaging"; Align-GVGD: "Class C0"). This variant is not present in population databases (ExAC no frequency) and has not been reported in the literature in individuals with an NF1-related disease. This sequence change replaces alanine with valine at codon 2153 of the NF1 protein (p.Ala2153Val). The alanine residue is moderately conserved and there is a small physicochemical difference between alanine and valine.

NM_001042492.3(NF1):c.6521C>T (p.Ala2174Val)

Gene: NF1 (neurofibromin 1; plus strand). Cytogenetic location: 17q11.2.
Variant type: single nucleotide variant.
Coding change: c.6521C>T on transcript NM_001042492.3 (MANE Select); coding-DNA position 6521, C replaced by T.
Protein change: p.Ala2174Val; replaces alanine 2174 with valine.
Molecular consequence: missense variant.
Genome position (GRCh38, 1-based): chr17:31,337,461, C>T. VCF-style: chr17-31337461-C-T. GRCh37 (hg19) VCF-style: chr17-29664479-C-T.
Other names: c.6458C>T, p.Ala2153Val (NM_000267.4); short protein forms A2153V, A2174V.
Identifiers: ClinVar variation 457794 (VCV000457794.5), dbSNP rs1555534865, ClinGen allele CA399013196.
Genomic context (GRCh38, chr17:31,337,461, plus strand): 5'-CAGAGTTCTCATTACCCAAATTTTACTTGCTGTTTGGCATTAGCAAAGTCAAGTCAGCTG[C>T]TGTCATTGCCTTCCGTTCCAGTTACCGGGACAGGTCATTCTCTCCTGGCTCCTATGAGAG-3'
Protein context (NP_001035957.1, residues 2164-2184): LFGISKVKSA[Ala2174Val]VIAFRSSYRD